The following is an entry in ClinVar:

ClinVar aggregate classification (germline): Uncertain significance (1 of 4 stars; one submission).

Submission:

Women's Health and Genetics/Laboratory Corporation of America, LabCorp
Classification: Uncertain significance. Last evaluated: 2025-10-20. Review status: criteria provided, single submitter. Criteria: LabCorp Variant Classification Summary - May 2015. Collection method: clinical testing. Allele origin: germline.
Comment: Variant summary: The variant involves the duplication of exons 1-14 in the SIK1 gene. A presumed nomenclature of c.(?_-137)_(*2260_?)dup has been designated for the purposes of this classification. This duplication includes the entire coding sequence of the gene. As exact breakpoints are unknown, it may extend beyond the annotated region of the gene, to include other flanking genes. The variant was absent in 20868 control chromosomes. The available data on variant occurrences in the general population are insufficient to allow any conclusion about variant significance. To our knowledge, no occurrence of c.(?_-137)_(*2260_?)dup in individuals affected with SIK1-related conditions and no experimental evidence demonstrating its impact on protein function have been reported. ClinVar contains an entry for this variant (Variation ID: 3248163). Based on the evidence outlined above, the variant was classified as uncertain significance.

NC_000021.8:g.(?_44834362)_(44847012_?)dup

Gene: SIK1 (salt inducible kinase 1; minus strand). Cytogenetic location: 21q22.3.
Variant type: Duplication.
Identifiers: ClinVar variation 4687164 (VCV004687164.1).